The following is an entry in ClinVar:

NM_001267550.2(TTN):c.12282T>G (p.Tyr4094Ter)

Gene: TTN (titin; minus strand). Cytogenetic location: 2q31.2.
Variant type: single nucleotide variant.
Coding change: c.12282T>G on transcript NM_001267550.2 (MANE Select); coding-DNA position 12282, T replaced by G.
Protein change: p.Tyr4094Ter; replaces tyrosine 4094 with a stop codon.
Molecular consequence: nonsense. On other transcripts: intron variant (1).
Genome position (GRCh38, 1-based): chr2:178,740,951, A>C on the plus strand (T>G on the coding strand, the complement: TTN is on the minus strand). VCF-style: chr2-178740951-A-C. GRCh37 (hg19) VCF-style: chr2-179605678-A-C.
Other names: c.11331T>G, p.Tyr3777Ter (NM_001256850.1); c.11193T>G, p.Tyr3731Ter (NM_003319.4); c.11568T>G, p.Tyr3856Ter (NM_133432.3); c.11769T>G, p.Tyr3923Ter (NM_133437.4); c.10361-2591T>G (NM_133378.4); short protein forms Y3777*, Y4094*, Y3731*, Y3856*, Y3923*.
Identifiers: ClinVar variation 488908 (VCV000488908.1), dbSNP rs1553940185, ClinGen allele CA349615791.

ClinVar aggregate classification (germline): Uncertain significance (1 of 4 stars; one submission).

Submission:

GeneDx
Classification: Uncertain significance. Last evaluated: 2016-06-10. Review status: criteria provided, single submitter. Criteria: GeneDx Variant Classification (06012015). Collection method: clinical testing. Allele origin: germline. Affected: yes.
Comment: The Y3777X variant of uncertain significance in the TTN gene has not been published as a pathogenic variant or beenreported as a benign variant to our knowledge. This variant was not observed in approximately 6,000 individuals ofEuropean and African American ancestry in the NHLBI Exome Sequencing Project, indicating it is not a commonbenign variant in these populations. The Y3777X variant is predicted to cause loss of normal protein function eitherby protein truncation or nonsense-mediated mRNA decay. However, other truncating TTN variants have been reportedin approximately 3% of control alleles (Herman et al., 2012). Furthermore, the Y3777X variant is not located in theA-band region of TTN, where the majority of truncating variants associated with DCM have been reported (Herman etal., 2012).Therefore, based on the currently available information, it is unclear whether this variant is pathogenic or benign.